The following is an entry in ClinVar:

ClinVar aggregate classification (germline): Uncertain significance. Review status: criteria provided, multiple submitters, no conflicts (2 of 4 stars). 2 submissions from 2 submitters: Uncertain significance (2). Last evaluated 2023-05-22.

Allele frequency attached by ClinVar (database versions not stated): gnomAD 0.00001.
gnomAD v4.1: 4 of 1,612,460 alleles (0.00025%); highest among the groups gnomAD compares: East Asian, 0.0022%; no homozygotes.

Submissions (2):

Labcorp Genetics (formerly Invitae), Labcorp
Classification: Uncertain significance. Last evaluated: 2023-05-22. Review status: criteria provided, single submitter. Criteria: Invitae Variant Classification Sherloc (09022015). Collection method: clinical testing. Allele origin: germline.
Comment: This sequence change replaces threonine, which is neutral and polar, with asparagine, which is neutral and polar, at codon 62 of the FCHO1 protein (p.Thr62Asn). This variant is present in population databases (no rsID available, gnomAD 0.003%). This variant has not been reported in the literature in individuals affected with FCHO1-related conditions. ClinVar contains an entry for this variant (Variation ID: 2248898). An algorithm developed to predict the effect of missense changes on protein structure and function (PolyPhen-2) suggests that this variant is likely to be disruptive. In summary, the available evidence is currently insufficient to determine the role of this variant in disease. Therefore, it has been classified as a Variant of Uncertain Significance.

Ambry Genetics
Classification: Uncertain significance. Last evaluated: 2021-09-09. Review status: criteria provided, single submitter. Criteria: Ambry Variant Classification Scheme 2023. Collection method: clinical testing. Allele origin: germline.

NM_015122.3(FCHO1):c.185C>A (p.Thr62Asn)

Gene: FCHO1 (FCH and mu domain containing endocytic adaptor 1; plus strand). Cytogenetic location: 19p13.11.
Variant type: single nucleotide variant.
Coding change: c.185C>A on transcript NM_015122.3 (MANE Select); coding-DNA position 185, C replaced by A.
Protein change: p.Thr62Asn; replaces threonine 62 with asparagine.
Molecular consequence: missense variant. On other transcripts: non-coding transcript variant (36), intron variant (1).
Genome position (GRCh38, 1-based): chr19:17,764,440, C>A. VCF-style: chr19-17764440-C-A. GRCh37 (hg19) VCF-style: chr19-17875249-C-A.
Other names: c.185C>A, p.Thr62Asn (NM_001161357.2, NM_001161358.2, NM_001384370.1 and 29 more transcripts); c.35C>A, p.Thr12Asn (NM_001161359.2, NM_001384384.1, NM_001384385.1 and 3 more transcripts); c.119+1587C>A (NM_001384390.1); short protein forms T12N, T62N.
Identifiers: ClinVar variation 2248898 (VCV002248898.5), dbSNP rs1327271912, ClinGen allele CA404748047.